The following is an entry in ClinVar:

NM_004333.6(BRAF):c.1272A>G (p.Arg424=)

Gene: BRAF (B-Raf proto-oncogene, serine/threonine kinase; minus strand). Cytogenetic location: 7q34.
Variant type: single nucleotide variant.
Coding change: c.1272A>G on transcript NM_004333.6 (MANE Select); coding-DNA position 1272, A replaced by G.
Protein change: p.Arg424=; no amino-acid change (arginine 424 retained).
Molecular consequence: synonymous variant.
Genome position (GRCh38, 1-based): chr7:140,783,063, T>C on the plus strand (A>G on the coding strand, the complement: BRAF is on the minus strand). VCF-style: chr7-140783063-T-C. GRCh37 (hg19) VCF-style: chr7-140482863-T-C.
Other names: c.1272A>G, p.Arg424= (NM_001354609.2, NM_001378468.1, NM_001378474.1); c.1392A>G, p.Arg464= (NM_001374244.1, NM_001374258.1); c.1281A>G, p.Arg427= (NM_001378467.1); c.1206A>G, p.Arg402= (NM_001378469.1); c.1170A>G, p.Arg390= (NM_001378470.1); c.1161A>G, p.Arg387= (NM_001378471.1); c.1116A>G, p.Arg372= (NM_001378472.1, NM_001378473.1); c.1008A>G, p.Arg336= (NM_001378475.1).
Identifiers: ClinVar variation 4822910 (VCV004822910.4).

ClinVar aggregate classification (germline): Likely benign (1 of 4 stars; one submission).

Submission:

CeGaT Center for Human Genetics Tuebingen
Classification: Likely benign. Last evaluated: 2026-01-01. Review status: criteria provided, single submitter. Criteria: CeGaT Center For Human Genetics Tuebingen Variant Classification Criteria Version 2. Collection method: clinical testing. Allele origin: germline. Affected: yes. Observed: 1 variant allele.
Comment: BRAF: PM2:Supporting, BP4, BP7